The following is an entry in ClinVar:

ClinVar aggregate classification (germline): Conflicting classifications of pathogenicity. Review status: criteria provided, conflicting classifications (1 of 4 stars). 10 submissions from 10 submitters: Uncertain significance (3); Likely benign (6). 1 of the submissions does not count toward it. Last evaluated 2026-02-02.

Conditions:
Alstrom syndrome (ALMS). Identifiers: Orphanet 64, MedGen C0268425, MONDO:0008763, OMIM 203800.
Cardiovascular phenotype. Identifiers: MedGen CN230736.
Monogenic diabetes. Identifiers: Orphanet 183625, MedGen C3888631, MONDO:0015967.

Allele frequency attached by ClinVar (database versions not stated): ExAC 0.00029; ESP Exome Variant Server 0.00091; TOPMed 0.00091; 1000 Genomes Project 0.00120; 1000 Genomes Project 30x 0.00141.
gnomAD v4.1: 249 of 1,613,906 alleles (0.015%); highest among the groups gnomAD compares: African/African-American, 0.28%; 1 homozygote.

Submissions (10):

Labcorp Genetics (formerly Invitae), Labcorp
Classification: Likely benign for Alstrom syndrome. Last evaluated: 2026-02-02. Review status: criteria provided, single submitter. Criteria: Invitae Variant Classification Sherloc (09022015). Collection method: clinical testing. Allele origin: germline.

ARUP Laboratories, Molecular Genetics and Genomics, ARUP Laboratories
Classification: Uncertain significance for Alstrom syndrome. Last evaluated: 2025-04-14. Review status: criteria provided, single submitter. Criteria: ARUP Molecular Germline Variant Investigation Process 2024. Collection method: clinical testing. Allele origin: germline.
Comment: The ALMS1 c.2038C>G; p.Arg680Gly variant (rs115444326), to our knowledge, is not reported in the medical literature but is reported in ClinVar (Variation ID: 393370). This variant is found predominantly in the African/African-American population with an allele frequency of 0.3% (74/24186 alleles, including 1 homozygote) in the Genome Aggregation Database (v2.1.1). Computational analyses are uncertain whether this variant is neutral or deleterious (REVEL: 0.22). While the high population frequency suggests that this is likely a benign variant, given the lack of clinical and functional data, the significance of this variant is uncertain at this time.

Women's Health and Genetics/Laboratory Corporation of America, LabCorp
Classification: Uncertain significance. Last evaluated: 2024-10-20. Review status: criteria provided, single submitter. Criteria: LabCorp Variant Classification Summary - May 2015. Collection method: clinical testing. Allele origin: germline.

Blueprint Genetics
Classification: Likely benign. Last evaluated: 2024-06-11. Review status: criteria provided, single submitter. Criteria: ACMG Guidelines, 2015. Collection method: clinical testing. Allele origin: germline.

Ambry Genetics
Classification: Likely benign for Cardiovascular phenotype. Last evaluated: 2021-07-01. Review status: criteria provided, single submitter. Criteria: Ambry Variant Classification Scheme 2023. Collection method: clinical testing. Allele origin: germline.

GeneDx
Classification: Likely benign. Last evaluated: 2021-03-23. Review status: criteria provided, single submitter. Criteria: GeneDx Variant Classification Process June 2021. Collection method: clinical testing. Allele origin: germline. Affected: yes.

Laboratory for Molecular Medicine, Mass General Brigham Personalized Medicine
Classification: Likely benign. Last evaluated: 2020-01-14. Review status: criteria provided, single submitter. Criteria: LMM Criteria. Collection method: clinical testing. Allele origin: germline. Observed: 1 variant allele.
Comment: The p.Arg681Gly variant in ALMS1 is classified as likely benign because it has been identified in 0.3% (74/24186) of African chromosomes by gnomAD. Computational prediction tools and conservation analysis suggest that this variant may not impact the protein. ACMG/AMP Criteria applied: BS1, BP4.

Personalized Diabetes Medicine Program, University of Maryland School of Medicine
Classification: Likely benign for Monogenic diabetes. Last evaluated: 2017-12-08. Review status: criteria provided, single submitter. Criteria: ACMG Guidelines, 2015. Collection method: research. Allele origin: unknown. Observed: 2 variant alleles, 2 heterozygotes.
Comment: ACMG criteria: BP4 (8 predictors), BP1 (missense in gene with truncating cause disease), (no homozygotes in ExAC)= likely benign

Eurofins Ntd Llc (ga)
Classification: Uncertain significance. Last evaluated: 2017-04-03. Review status: criteria provided, single submitter. Criteria: EGL Classification Definitions 2015. Collection method: clinical testing. Allele origin: germline. Observed: 1 variant allele, 1 heterozygote.

Natera, Inc.
Classification: Benign for Alstrom syndrome. Last evaluated: 2019-10-22. Review status: no assertion criteria provided. Collection method: clinical testing. Allele origin: germline. Not counted in ClinVar's aggregate classification.

NM_001378454.1(ALMS1):c.2038C>G (p.Arg680Gly)

Gene: ALMS1 (ALMS1 centrosome and basal body associated protein; plus strand). Cytogenetic location: 2p13.1.
Variant type: single nucleotide variant.
Coding change: c.2038C>G on transcript NM_001378454.1 (MANE Select); coding-DNA position 2038, C replaced by G.
Protein change: p.Arg680Gly; replaces arginine 680 with glycine.
Molecular consequence: missense variant.
Genome position (GRCh38, 1-based): chr2:73,448,565, C>G. VCF-style: chr2-73448565-C-G. GRCh37 (hg19) VCF-style: chr2-73675692-C-G.
Other names: c.2041C>G, p.Arg681Gly (NM_015120.4); short protein forms R681G, R680G.
Identifiers: ClinVar variation 393370 (VCV000393370.30), dbSNP rs115444326, ClinGen allele CA1713262.
Genomic context (GRCh38, chr2:73,448,565, plus strand): 5'-GGAATACCTACAGTATCCTCTACATCCCACTCACATGTAGAGGACCTCCTCTTTTTCTAT[C>G]GACAGACCTTGCCAGATGGTCATCTAACTGATCAGGCTCTGAAAGTCTCAGCTGTGTCTG-3'
Protein context (NP_001365383.1, residues 670-690): SHVEDLLFFY[Arg680Gly]QTLPDGHLTD